The following is an entry in ClinVar:

NM_033026.6(PCLO):c.2935C>A (p.Pro979Thr)

Gene: PCLO (piccolo presynaptic cytomatrix protein; minus strand). Cytogenetic location: 7q21.11.
Variant type: single nucleotide variant.
Coding change: c.2935C>A on transcript NM_033026.6 (MANE Select); coding-DNA position 2935, C replaced by A.
Protein change: p.Pro979Thr; replaces proline 979 with threonine.
Molecular consequence: missense variant.
Genome position (GRCh38, 1-based): chr7:83,134,615, G>T on the plus strand (C>A on the coding strand, the complement: PCLO is on the minus strand). VCF-style: chr7-83134615-G-T. GRCh37 (hg19) VCF-style: chr7-82763931-G-T.
Other names: c.2935C>A, p.Pro979Thr (NM_014510.3); c.2935C>A (NM_033026.5); short protein forms P979T.
Identifiers: ClinVar variation 1436264 (VCV001436264.7), dbSNP rs772045783, ClinGen allele CA4321172.
Genomic context (GRCh38, chr7:83,134,615, plus strand): 5'-CCTTTTTCACAGGTATACTTTTTGCAGGTGCTGGTGGTGCTTGACCTGTGGATTTGGGTG[G>T]CCCTTGTGAAGTAGGTGGCTGTGAAGGGGCAGGGGCTTGTTTCATTGGGGCCCCTGGTCC-3'
Protein context (NP_149015.2, residues 969-989): APSQPPTSQG[Pro979Thr]PKSTGQAPPA

ClinVar aggregate classification (germline): Uncertain significance. Review status: criteria provided, multiple submitters, no conflicts (2 of 4 stars). 2 submissions from 2 submitters: Uncertain significance (2). Last evaluated 2023-02-27.

Conditions:
Inborn genetic diseases. Identifiers: MedGen C0950123, MeSH D030342.

Allele frequency attached by ClinVar (database versions not stated): gnomAD exomes below 0.00001 and 0.00001; TOPMed below 0.00001; ExAC 0.00001; gnomAD 0.00001.
gnomAD v4.1: 6 of 1,613,738 alleles (0.00037%); highest among the groups gnomAD compares: East Asian, 0.011%; no homozygotes.

Submissions (2):

Ambry Genetics
Classification: Uncertain significance for Inborn genetic diseases. Last evaluated: 2023-02-27. Review status: criteria provided, single submitter. Criteria: Ambry Variant Classification Scheme 2023. Collection method: clinical testing. Allele origin: germline.

Labcorp Genetics (formerly Invitae), Labcorp
Classification: Uncertain significance. Last evaluated: 2022-08-09. Review status: criteria provided, single submitter. Criteria: Invitae Variant Classification Sherloc (09022015). Collection method: clinical testing. Allele origin: germline.
Comment: In summary, the available evidence is currently insufficient to determine the role of this variant in disease. Therefore, it has been classified as a Variant of Uncertain Significance. Algorithms developed to predict the effect of missense changes on protein structure and function output the following: SIFT: "Tolerated"; PolyPhen-2: "Not Available"; Align-GVGD: "Class C0". The threonine amino acid residue is found in multiple mammalian species, which suggests that this missense change does not adversely affect protein function. ClinVar contains an entry for this variant (Variation ID: 1436264). This variant has not been reported in the literature in individuals affected with PCLO-related conditions. This variant is present in population databases (rs772045783, gnomAD 0.02%). This sequence change replaces proline, which is neutral and non-polar, with threonine, which is neutral and polar, at codon 979 of the PCLO protein (p.Pro979Thr).